The following is an entry in ClinVar:

ClinVar aggregate classification (germline): Uncertain significance (1 of 4 stars; one submission).

Conditions:
Neurodevelopmental disorder with microcephaly, arthrogryposis, and structural brain anomalies. Identifiers: Orphanet 664923, MedGen C5231431, MONDO:0032838, OMIM 618622.

Submission:

Foundation for Research in Genetics and Endocrinology, FRIGE's Institute of Human Genetics
Classification: Uncertain significance for Neurodevelopmental disorder with microcephaly, arthrogryposis, and structural brain anomalies. Last evaluated: 2025-11-26. Review status: criteria provided, single submitter. Criteria: ACMG Guidelines, 2015. Collection method: clinical testing. Allele origin: germline. Inheritance: Autosomal recessive inheritance. Affected: yes. Observed: 1 variant allele, 1 homozygote.
Comment: A homozygous 3’splice site variation in intron 1 of the SMPD4 gene that affects the invariant AG acceptor splice site upstream of exon 2 was detected. The observed variant c.73-11T>A has not been reported in the 1000 genomes and has a minor allele frequency of < 0.001% in the gnomAD database. In summary, the variant meets our criteria to be classified as a variant of uncertain significance.

NM_017951.5(SMPD4):c.-45-11T>A

Gene: SMPD4 (sphingomyelin phosphodiesterase 4; minus strand). Cytogenetic location: 2q21.1.
Variant type: single nucleotide variant.
Coding change: c.-45-11T>A on transcript NM_017951.5 (MANE Select); 11 bases into the intron before 45 bases upstream of the start codon, T replaced by A.
Molecular consequence: intron variant.
Genome position (GRCh38, 1-based): chr2:130,176,648, A>T on the plus strand (T>A on the coding strand, the complement: SMPD4 is on the minus strand). VCF-style: chr2-130176648-A-T. GRCh37 (hg19) VCF-style: chr2-130934221-A-T.
Other names: c.73-11T>A (NM_001171083.2, NM_017751.4).
Identifiers: ClinVar variation 4850522 (VCV004850522.1).